The following is an entry in ClinVar:

ClinVar aggregate classification (germline): Uncertain significance (1 of 4 stars; one submission).

Conditions:
Methylmalonic acidemia with homocystinuria, type cblX (MAHCX). Also called: INTELLECTUAL DEVELOPMENTAL DISORDER, X-LINKED 3. Identifiers: Orphanet 369962, MedGen C0796208, MONDO:0010657, OMIM 309541.

Submission:

Labcorp Genetics (formerly Invitae), Labcorp
Classification: Uncertain significance for Methylmalonic acidemia with homocystinuria, type cblX. Last evaluated: 2023-04-10. Review status: criteria provided, single submitter. Criteria: Invitae Variant Classification Sherloc (09022015). Collection method: clinical testing. Allele origin: germline.
Comment: In summary, the available evidence is currently insufficient to determine the role of this variant in disease. Therefore, it has been classified as a Variant of Uncertain Significance. An algorithm developed to predict the effect of missense changes on protein structure and function (PolyPhen-2) suggests that this variant is likely to be tolerated. This variant has not been reported in the literature in individuals affected with HCFC1-related conditions. This variant is not present in population databases (gnomAD no frequency). This sequence change replaces serine, which is neutral and polar, with phenylalanine, which is neutral and non-polar, at codon 1383 of the HCFC1 protein (p.Ser1383Phe).

NM_005334.3(HCFC1):c.4148C>T (p.Ser1383Phe)

Gene: HCFC1 (host cell factor C1; minus strand). Cytogenetic location: Xq28.
Variant type: single nucleotide variant.
Coding change: c.4148C>T on transcript NM_005334.3 (MANE Select); coding-DNA position 4148, C replaced by T.
Protein change: p.Ser1383Phe; replaces serine 1383 with phenylalanine.
Molecular consequence: missense variant.
Genome position (GRCh38, 1-based): chrX:153,954,251, G>A on the plus strand (C>T on the coding strand, the complement: HCFC1 is on the minus strand). VCF-style: chrX-153954251-G-A. GRCh37 (hg19) VCF-style: chrX-153219702-G-A.
Other names: c.4148C>T, p.Ser1383Phe (NM_001410705.1); short protein forms S1383F.
Identifiers: ClinVar variation 2984935 (VCV002984935.3), dbSNP rs2521534140, ClinGen allele CA415117065.